The following is an entry in ClinVar:

NM_001367624.2(ZNF469):c.6376A>G (p.Ser2126Gly)

Gene: ZNF469 (zinc finger protein 469; plus strand). Cytogenetic location: 16q24.2.
Variant type: single nucleotide variant.
Coding change: c.6376A>G on transcript NM_001367624.2 (MANE Select); coding-DNA position 6376, A replaced by G.
Protein change: p.Ser2126Gly; replaces serine 2126 with glycine.
Molecular consequence: missense variant.
Genome position (GRCh38, 1-based): chr16:88,433,846, A>G. VCF-style: chr16-88433846-A-G. GRCh37 (hg19) VCF-style: chr16-88500254-A-G.
Other names: short protein forms S2126G.
Identifiers: ClinVar variation 2802083 (VCV002802083.3), dbSNP rs2507593276, ClinGen allele CA397105584.

ClinVar aggregate classification (germline): Uncertain significance (1 of 4 stars; one submission).

gnomAD v4.1: 1 of 1,549,774 alleles (0.000065%); no homozygotes.

Submission:

Labcorp Genetics (formerly Invitae), Labcorp
Classification: Uncertain significance. Last evaluated: 2024-02-22. Review status: criteria provided, single submitter. Criteria: Invitae Variant Classification Sherloc (09022015). Collection method: clinical testing. Allele origin: germline.
Comment: This sequence change replaces serine, which is neutral and polar, with glycine, which is neutral and non-polar, at codon 2098 of the ZNF469 protein (p.Ser2098Gly). This variant is not present in population databases (gnomAD no frequency). This variant has not been reported in the literature in individuals affected with ZNF469-related conditions. Algorithms developed to predict the effect of missense changes on protein structure and function output the following: SIFT: "Not Available"; PolyPhen-2: "Benign"; Align-GVGD: "Not Available". The glycine amino acid residue is found in multiple mammalian species, which suggests that this missense change does not adversely affect protein function. In summary, the available evidence is currently insufficient to determine the role of this variant in disease. Therefore, it has been classified as a Variant of Uncertain Significance.